The following is an entry in ClinVar:

NM_000153.4(GALC):c.1034-125G>C

Gene: GALC (galactosylceramidase; minus strand). Cytogenetic location: 14q31.3.
Variant type: single nucleotide variant.
Coding change: c.1034-125G>C on transcript NM_000153.4 (MANE Select); 125 bases into the intron before coding-DNA position 1034, G replaced by C.
Molecular consequence: intron variant.
Genome position (GRCh38, 1-based): chr14:87,963,636, C>G on the plus strand (G>C on the coding strand, the complement: GALC is on the minus strand). VCF-style: chr14-87963636-C-G. GRCh37 (hg19) VCF-style: chr14-88429980-C-G.
Other names: c.956-125G>C (NM_001201402.2); c.965-125G>C (NM_001201401.2).
Identifiers: ClinVar variation 681830 (VCV000681830.1), dbSNP rs17760374, ClinGen allele CA13997355.

ClinVar aggregate classification (germline): Benign (1 of 4 stars; one submission).

Allele frequency attached by ClinVar (database versions not stated): 1000 Genomes Project 0.07927; 1000 Genomes Project 30x 0.08182; TOPMed 0.10656; gnomAD 0.11343 and 0.11466.
gnomAD v4.1: 106,127 of 788,386 alleles (13%); highest among the groups gnomAD compares: Non-Finnish European, 16%; 8,038 homozygotes.

Submission:

GeneDx
Classification: Benign. Last evaluated: 2018-06-19. Review status: criteria provided, single submitter. Criteria: GeneDx Variant Classification (06012015). Collection method: clinical testing. Allele origin: germline. Affected: yes.
Comment: This variant is considered likely benign or benign based on one or more of the following criteria: it is a conservative change, it occurs at a poorly conserved position in the protein, it is predicted to be benign by multiple in silico algorithms, and/or has population frequency not consistent with disease.